The following is an entry in ClinVar:

NM_133433.4(NIPBL):c.3931T>G (p.Cys1311Gly)

Gene: NIPBL (NIPBL cohesin loading factor; plus strand). Cytogenetic location: 5p13.2.
Variant type: single nucleotide variant.
Coding change: c.3931T>G on transcript NM_133433.4 (MANE Select); coding-DNA position 3931, T replaced by G.
Protein change: p.Cys1311Gly; replaces cysteine 1311 with glycine.
Molecular consequence: missense variant.
Genome position (GRCh38, 1-based): chr5:37,006,432, T>G. VCF-style: chr5-37006432-T-G. GRCh37 (hg19) VCF-style: chr5-37006534-T-G.
Other names: c.3931T>G, p.Cys1311Gly (NM_015384.5); short protein forms C1311G.
Identifiers: ClinVar variation 3369282 (VCV003369282.1).

ClinVar aggregate classification (germline): Uncertain significance (1 of 4 stars; one submission).

Submission:

GeneDx
Classification: Uncertain significance. Last evaluated: 2024-02-13. Review status: criteria provided, single submitter. Criteria: GeneDx Variant Classification Process June 2021. Collection method: clinical testing. Allele origin: germline. Affected: yes.
Comment: Not observed at significant frequency in large population cohorts (gnomAD); In silico analysis supports that this missense variant has a deleterious effect on protein structure/function; Has not been previously published as pathogenic or benign to our knowledge